The following is an entry in ClinVar:

NM_002335.4(LRP5):c.4815G>A (p.Pro1605=)

Gene: LRP5 (LDL receptor related protein 5; plus strand). Cytogenetic location: 11q13.2.
Variant type: single nucleotide variant.
Coding change: c.4815G>A on transcript NM_002335.4 (MANE Select); coding-DNA position 4815, G replaced by A.
Protein change: p.Pro1605=; no amino-acid change (proline 1605 retained).
Molecular consequence: synonymous variant.
Genome position (GRCh38, 1-based): chr11:68,449,037, G>A. VCF-style: chr11-68449037-G-A. GRCh37 (hg19) VCF-style: chr11-68216505-G-A.
Other names: c.3072G>A, p.Pro1024= (NM_001291902.2).
Identifiers: ClinVar variation 747437 (VCV000747437.12), dbSNP rs772640505, ClinGen allele CA6150519.

ClinVar aggregate classification (germline): Likely benign. Review status: criteria provided, multiple submitters, no conflicts (2 of 4 stars). 3 submissions from 3 submitters: Likely benign (2). 1 of the submissions does not count toward it. Last evaluated 2025-05-26.

Conditions:
LRP5-related disorder. Also called: LRP5-related condition.

Allele frequency attached by ClinVar (database versions not stated): gnomAD 0.00003; ExAC 0.00005; gnomAD exomes 0.00006 and 0.00011.
gnomAD v4.1: 91 of 1,580,244 alleles (0.0058%); highest among the groups gnomAD compares: Admixed American, 0.056%; 1 homozygote.

Submissions (3):

Labcorp Genetics (formerly Invitae), Labcorp
Classification: Likely benign. Last evaluated: 2025-05-26. Review status: criteria provided, single submitter. Criteria: Invitae Variant Classification Sherloc (09022015). Collection method: clinical testing. Allele origin: germline.

Blueprint Genetics
Classification: Likely benign. Last evaluated: 2022-11-23. Review status: criteria provided, single submitter. Criteria: ACMG Guidelines, 2015. Collection method: clinical testing. Allele origin: germline.

PreventionGenetics, part of Exact Sciences
Classification: Likely benign for LRP5-related condition. Last evaluated: 2024-06-15. Review status: no assertion criteria provided. Collection method: clinical testing. Allele origin: germline. Not counted in ClinVar's aggregate classification.
Comment: This variant is classified as likely benign based on ACMG/AMP sequence variant interpretation guidelines (Richards et al. 2015 PMID: 25741868, with internal and published modifications).